The following is an entry in ClinVar:

ClinVar aggregate classification (germline): Pathogenic (1 of 4 stars; one submission).

Conditions:
Neurofibromatosis, type 1 (NF1). Also called: VON RECKLINGHAUSEN DISEASE; NEUROFIBROMATOSIS, TYPE I, SOMATIC; Peripheral type neurofibromatosis; Neurofibromatosis, type I. Identifiers: Orphanet 636, MedGen C0027831, MONDO:0018975, OMIM 162200. Disease mechanism: loss of function.

Submission:

Labcorp Genetics (formerly Invitae), Labcorp
Classification: Pathogenic for Neurofibromatosis, type 1. Last evaluated: 2017-09-05. Review status: criteria provided, single submitter. Criteria: Invitae Variant Classification Sherloc (09022015). Collection method: clinical testing. Allele origin: germline.
Comment: This variant has not been reported in the literature in individuals with NF1-related disease. This sequence change creates a premature translational stop signal (p.Leu1833Argfs*9) in the NF1 gene. It is expected to result in an absent or disrupted protein product. This variant is not present in population databases (ExAC no frequency). Loss-of-function variants in NF1 are known to be pathogenic (PMID: 10712197, 23913538). For these reasons, this variant has been classified as Pathogenic.

Literature cited by the submitters: PubMed 10712197; PubMed 23913538.

NM_001042492.3(NF1):c.5561del (p.Leu1854fs)

Gene: NF1 (neurofibromin 1; plus strand). Cytogenetic location: 17q11.2.
Variant type: Deletion.
Coding change: c.5561del on transcript NM_001042492.3 (MANE Select); coding-DNA position 5561, one base deleted (T; older notation c.5561delT).
Protein change: p.Leu1854fs; shifts the reading frame from leucine 1854.
Molecular consequence: frameshift variant.
Genome position (GRCh38, 1-based): chr17:31,327,791, T deleted. VCF-style (leftmost placement, unchanged base first): chr17-31327790-CT-C. GRCh37 (hg19) VCF-style: chr17-29654808-CT-C.
Other names: c.5498delT (NM_000267.3); c.5498delT, p.Leu1833Argfs (NM_000267.4); short protein forms L1833fs, L1854fs.
Identifiers: ClinVar variation 527589 (VCV000527589.5), dbSNP rs1555533644, ClinGen allele CA658798791.